The following is an entry in ClinVar:

NM_004380.3(CREBBP):c.21C>T (p.Asp7=)

Gene: CREBBP (CREB binding lysine acetyltransferase; minus strand). Cytogenetic location: 16p13.3.
Variant type: single nucleotide variant.
Coding change: c.21C>T on transcript NM_004380.3 (MANE Select); coding-DNA position 21, C replaced by T.
Protein change: p.Asp7=; no amino-acid change (aspartic acid 7 retained).
Molecular consequence: synonymous variant.
Genome position (GRCh38, 1-based): chr16:3,879,896, G>A on the plus strand (C>T on the coding strand, the complement: CREBBP is on the minus strand). VCF-style: chr16-3879896-G-A. GRCh37 (hg19) VCF-style: chr16-3929897-G-A.
Other names: c.21C>T, p.Asp7= (NM_001079846.1).
Identifiers: ClinVar variation 3351484 (VCV003351484.1).

ClinVar aggregate classification (germline): Likely benign (0 of 4 stars; one submission).

Conditions:
CREBBP-related disorder. Also called: CREBBP-related condition; CREBBP-related disorders.

gnomAD v4.1: 13 of 1,612,472 alleles (0.00081%); highest among the groups gnomAD compares: African/African-American, 0.0053%; no homozygotes.

Submission:

PreventionGenetics, part of Exact Sciences
Classification: Likely benign for CREBBP-related condition. Last evaluated: 2024-07-25. Review status: no assertion criteria provided. Collection method: clinical testing. Allele origin: germline.
Comment: This variant is classified as likely benign based on ACMG/AMP sequence variant interpretation guidelines (Richards et al. 2015 PMID: 25741868, with internal and published modifications).